The following is an entry in ClinVar:

NM_000843.4(GRM6):c.1670C>T (p.Ala557Val)

Genes: GRM6 (glutamate metabotropic receptor 6; minus strand), ZNF454 (zinc finger protein 454; plus strand). Cytogenetic location: 5q35.3.
Variant type: single nucleotide variant.
Coding change: c.1670C>T on transcript NM_000843.4 (MANE Select); coding-DNA position 1670, C replaced by T.
Protein change: p.Ala557Val; replaces alanine 557 with valine.
Molecular consequence: missense variant.
Genome position (GRCh38, 1-based): chr5:178,986,584, G>A on the plus strand (C>T on the coding strand, the complement: GRM6 is on the minus strand). VCF-style: chr5-178986584-G-A. GRCh37 (hg19) VCF-style: chr5-178413585-G-A.
Other names: short protein forms A557V.
Identifiers: ClinVar variation 1958651 (VCV001958651.5), dbSNP rs1561717878, ClinGen allele CA362427585.

ClinVar aggregate classification (germline): Uncertain significance (1 of 4 stars; one submission).

Allele frequency attached by ClinVar (database versions not stated): TOPMed below 0.00001.
gnomAD v4.1: 2 of 1,606,578 alleles (0.00012%); highest among the groups gnomAD compares: Non-Finnish European, 0.00017%; no homozygotes.

Submission:

Labcorp Genetics (formerly Invitae), Labcorp
Classification: Uncertain significance. Last evaluated: 2023-07-10. Review status: criteria provided, single submitter. Criteria: Invitae Variant Classification Sherloc (09022015). Collection method: clinical testing. Allele origin: germline.
Comment: Advanced modeling of protein sequence and biophysical properties (such as structural, functional, and spatial information, amino acid conservation, physicochemical variation, residue mobility, and thermodynamic stability) performed at Invitae indicates that this missense variant is not expected to disrupt GRM6 protein function. In summary, the available evidence is currently insufficient to determine the role of this variant in disease. Therefore, it has been classified as a Variant of Uncertain Significance. ClinVar contains an entry for this variant (Variation ID: 1958651). This variant has not been reported in the literature in individuals affected with GRM6-related conditions. This variant is not present in population databases (gnomAD no frequency). This sequence change replaces alanine, which is neutral and non-polar, with valine, which is neutral and non-polar, at codon 557 of the GRM6 protein (p.Ala557Val).